The following is an entry in ClinVar:

NM_002769.5(PRSS1):c.476A>C (p.Gln159Pro)

Genes: PRSS1 (serine protease 1; plus strand), TRB (T cell receptor beta locus; plus strand). Cytogenetic location: 7q34.
Variant type: single nucleotide variant.
Coding change: c.476A>C on transcript NM_002769.5 (MANE Select); coding-DNA position 476, A replaced by C.
Protein change: p.Gln159Pro; replaces glutamine 159 with proline.
Molecular consequence: missense variant. On other transcripts: non-coding transcript variant (5).
Genome position (GRCh38, 1-based): chr7:142,752,452, A>C. VCF-style: chr7-142752452-A-C. GRCh37 (hg19) VCF-style: chr7-142460303-A-C.
Other names: short protein forms Q159P.
Identifiers: ClinVar variation 2621828 (VCV002621828.2), dbSNP rs1798826332, ClinGen allele CA369609448.
Genomic context (GRCh38, chr7:142,752,452, plus strand): 5'-ACATTTCTACTTCCTTTGATCTCTTCCTGATCCTCACAGCCGACTACCCAGACGAGCTGC[A>C]GTGCCTGGATGCTCCTGTGCTGAGCCAGGCTAAGTGTGAAGCCTCCTACCCTGGAAAGAT-3'
Protein context (NP_002760.1, residues 149-169): SSGADYPDEL[Gln159Pro]CLDAPVLSQA

ClinVar aggregate classification (germline): Uncertain significance (1 of 4 stars; one submission).

Conditions:
Hereditary pancreatitis (PCTT). Also called: PRSS1-Related Hereditary Pancreatitis; Hereditary chronic pancreatitis. Identifiers: Orphanet 676, MedGen C0238339, MONDO:0008185, OMIM 167800.

Submission:

Ambry Genetics
Classification: Uncertain significance for Hereditary pancreatitis. Last evaluated: 2023-09-01. Review status: criteria provided, single submitter. Criteria: Ambry Variant Classification Scheme 2023. Collection method: clinical testing. Allele origin: germline.
Comment: The p.Q159P variant (also known as c.476A>C), located in coding exon 4 of the PRSS1 gene, results from an A to C substitution at nucleotide position 476. The glutamine at codon 159 is replaced by proline, an amino acid with similar properties. This amino acid position is conserved. In addition, this alteration is predicted to be deleterious by in silico analysis. Since supporting evidence is limited at this time, the clinical significance of this alteration remains unclear.